The following is an entry in ClinVar:

ClinVar aggregate classification (germline): Pathogenic (1 of 4 stars; one submission).

Submission:

Labcorp Genetics (formerly Invitae), Labcorp
Classification: Pathogenic. Last evaluated: 2024-04-30. Review status: criteria provided, single submitter. Criteria: Invitae Variant Classification Sherloc (09022015). Collection method: clinical testing. Allele origin: germline.
Comment: This sequence change creates a premature translational stop signal (p.Lys1895Glnfs*15) in the VPS13D gene. It is expected to result in an absent or disrupted protein product. Loss-of-function variants in VPS13D are known to be pathogenic (PMID: 29518281). This variant is not present in population databases (gnomAD no frequency). This variant has not been reported in the literature in individuals affected with VPS13D-related conditions. For these reasons, this variant has been classified as Pathogenic.

Literature cited by the submitters: PubMed 29518281.

NM_015378.4(VPS13D):c.5682dup (p.Lys1895fs)

Gene: VPS13D (vacuolar protein sorting 13 homolog D; plus strand). Cytogenetic location: 1p36.22.
Variant type: Duplication.
Coding change: c.5682dup on transcript NM_015378.4 (MANE Select); coding-DNA position 5682, one base duplicated (C; older notation c.5682dupC).
Protein change: p.Lys1895fs; shifts the reading frame from lysine 1895.
Molecular consequence: frameshift variant.
Genome position (GRCh38, 1-based): chr1:12,288,270, C duplicated; the last of 2 consecutive C bases (chr1:12,288,269-12,288,270); duplicating either gives the same sequence. VCF-style (leftmost placement, unchanged base first): chr1-12288268-G-GC. GRCh37 (hg19) VCF-style: chr1-12348325-G-GC.
Other names: c.5682dup, p.Lys1895fs (NM_018156.4); short protein forms K1895fs.
Identifiers: ClinVar variation 3651733 (VCV003651733.2).